The following is an entry in ClinVar:

NM_000077.5(CDKN2A):c.97dup (p.Glu33fs)

Gene: CDKN2A (cyclin dependent kinase inhibitor 2A; minus strand). Cytogenetic location: 9p21.3.
Variant type: Duplication.
Coding change: c.97dup on transcript NM_000077.5; coding-DNA position 97, one base duplicated (G; older notation c.97dupG).
Protein change: p.Glu33fs; shifts the reading frame from glutamic acid 33.
Molecular consequence: frameshift variant (on NM_000077.4). On other transcripts: intron variant (2).
Genome position (GRCh38, 1-based): chr9:21,974,731, C duplicated on the plus strand (G on the coding strand, the reverse complement: CDKN2A is on the minus strand); the first of 2 consecutive C bases (chr9:21,974,731-21,974,732); duplicating either gives the same sequence. VCF-style (leftmost placement, unchanged base first): chr9-21974730-T-TC. GRCh37 (hg19) VCF-style: chr9-21974729-T-TC.
Other names: c.97dupG (NM_000077.4); c.96dup, p.Glu33Glyfs (NM_000077.6); c.97dup, p.Glu33fs (NM_001195132.2, NM_058197.5); c.-3-3523dup (NM_001363763.2); c.194-3523dup (NM_058195.4); short protein forms E33fs.
Identifiers: ClinVar variation 1768251 (VCV001768251.2), dbSNP rs2489291303, ClinGen allele CA2580080348.

ClinVar aggregate classification (germline): Pathogenic (1 of 4 stars; one submission).

Conditions:
Hereditary cancer-predisposing syndrome. Also called: Hereditary Cancer Syndrome; Hereditary neoplastic syndrome; Neoplastic Syndromes, Hereditary; Tumor predisposition. Identifiers: Orphanet 140162, MedGen C0027672, MeSH D009386, MONDO:0015356.

Submission:

Ambry Genetics
Classification: Pathogenic for Hereditary cancer-predisposing syndrome. Last evaluated: 2020-10-19. Review status: criteria provided, single submitter. Criteria: Ambry Variant Classification Scheme 2023. Collection method: clinical testing. Allele origin: germline.
Comment: The c.97dupG pathogenic mutation, located in coding exon 1 of the CDKN2A gene, results from a duplication of G at nucleotide position 97, causing a translational frameshift with a predicted alternate stop codon (p.E33Gfs*11). This variant was not reported in population-based cohorts in the Genome Aggregation Database (gnomAD). This alteration is expected to result in loss of function by premature protein truncation or nonsense-mediated mRNA decay. As such, this alteration is interpreted as a disease-causing mutation.